The following is an entry in ClinVar:

NM_000214.3(JAG1):c.2228-13T>C

Gene: JAG1 (jagged canonical Notch ligand 1; minus strand). Cytogenetic location: 20p12.2.
Variant type: single nucleotide variant.
Coding change: c.2228-13T>C on transcript NM_000214.3 (MANE Select); 13 bases into the intron before coding-DNA position 2228, T replaced by C.
Molecular consequence: intron variant.
Genome position (GRCh38, 1-based): chr20:10,644,992, A>G on the plus strand (T>C on the coding strand, the complement: JAG1 is on the minus strand). VCF-style: chr20-10644992-A-G. GRCh37 (hg19) VCF-style: chr20-10625640-A-G.
Identifiers: ClinVar variation 1927492 (VCV001927492.5), dbSNP rs1163165774, ClinGen allele CA634452277.

ClinVar aggregate classification (germline): Uncertain significance (1 of 4 stars; one submission).

Conditions:
Alagille syndrome due to a JAG1 point mutation. Also called: JAG1-Related Alagille Syndrome; HEPATIC DUCTULAR HYPOPLASIA, SYNDROMATIC; Alagille Syndrome 1. Identifiers: Orphanet 261619, Orphanet 52, MedGen C1956125, MONDO:0016862, OMIM 118450.

Submission:

Labcorp Genetics (formerly Invitae), Labcorp
Classification: Uncertain significance for Alagille syndrome due to a JAG1 point mutation. Last evaluated: 2024-07-18. Review status: criteria provided, single submitter. Criteria: Invitae Variant Classification Sherloc (09022015). Collection method: clinical testing. Allele origin: germline.
Comment: This sequence change falls in intron 17 of the JAG1 gene. It does not directly change the encoded amino acid sequence of the JAG1 protein. This variant is present in population databases (no rsID available, gnomAD 0.009%). This variant has not been reported in the literature in individuals affected with JAG1-related conditions. ClinVar contains an entry for this variant (Variation ID: 1927492). Algorithms developed to predict the effect of sequence changes on RNA splicing suggest that this variant may disrupt the consensus splice site. In summary, the available evidence is currently insufficient to determine the role of this variant in disease. Therefore, it has been classified as a Variant of Uncertain Significance.